The following is an entry in ClinVar:

ClinVar aggregate classification (germline): Uncertain significance (1 of 4 stars; one submission).

Conditions:
Wilms tumor 1 (WT1). Also called: Wilms tumor, somatic. Identifiers: Orphanet 654, MedGen CN033288, MONDO:0008679, OMIM 194070.

Allele frequency attached by ClinVar (database versions not stated): gnomAD exomes 0.00002.
gnomAD v4.1: 8 of 1,196,584 alleles (0.00067%); highest among the groups gnomAD compares: Middle Eastern, 0.14%; no homozygotes.

Submission:

Labcorp Genetics (formerly Invitae), Labcorp
Classification: Uncertain significance for Wilms tumor 1. Last evaluated: 2025-05-27. Review status: criteria provided, single submitter. Criteria: Invitae Variant Classification Sherloc (09022015). Collection method: clinical testing. Allele origin: germline.
Comment: This sequence change replaces glutamine, which is neutral and polar, with arginine, which is basic and polar, at codon 23 of the GPC3 protein (p.Gln23Arg). This variant is not present in population databases (gnomAD no frequency). This variant has not been reported in the literature in individuals affected with GPC3-related conditions. ClinVar contains an entry for this variant (Variation ID: 1392958). An algorithm developed to predict the effect of missense changes on protein structure and function outputs the following: PolyPhen-2: "Benign". The arginine amino acid residue is found in multiple mammalian species, which suggests that this missense change does not adversely affect protein function. In summary, the available evidence is currently insufficient to determine the role of this variant in disease. Therefore, it has been classified as a Variant of Uncertain Significance.

NM_004484.4(GPC3):c.68A>G (p.Gln23Arg)

Gene: GPC3 (glypican 3; minus strand). Cytogenetic location: Xq26.2.
Variant type: single nucleotide variant.
Coding change: c.68A>G on transcript NM_004484.4 (MANE Select); coding-DNA position 68, A replaced by G.
Protein change: p.Gln23Arg; replaces glutamine 23 with arginine.
Molecular consequence: missense variant.
Genome position (GRCh38, 1-based): chrX:133,985,382, T>C on the plus strand (A>G on the coding strand, the complement: GPC3 is on the minus strand). VCF-style: chrX-133985382-T-C. GRCh37 (hg19) VCF-style: chrX-133119409-T-C.
Other names: c.68A>G, p.Gln23Arg (NM_001164617.2, NM_001164618.2, NM_001164619.2); short protein forms Q23R.
Identifiers: ClinVar variation 1392958 (VCV001392958.8), dbSNP rs866488565, ClinGen allele CA335997693.
Genomic context (GRCh38, chrX:133,985,382, plus strand): 5'-TGGAAGAAGGAGCGGACTTGGTGACAGGTGGCGTCCGGCGGCGGCGGCGGGGGCTGCGCC[T>C]GTCCCGGGAAGTCCAAGCTGAGCAGCATCGCCACCACCAAGCACGCGGTGCGCACGGTCC-3'
Protein context (NP_004475.1, residues 13-33): AMLLSLDFPG[Gln23Arg]AQPPPPPPDA